The following is an entry in ClinVar:

NM_004360.5(CDH1):c.1538C>T (p.Pro513Leu)

Gene: CDH1 (cadherin 1; plus strand). Cytogenetic location: 16q22.1.
Variant type: single nucleotide variant.
Coding change: c.1538C>T on transcript NM_004360.5 (MANE Select); coding-DNA position 1538, C replaced by T.
Protein change: p.Pro513Leu; replaces proline 513 with leucine.
Molecular consequence: missense variant. On other transcripts: 5 prime UTR variant (2).
Genome position (GRCh38, 1-based): chr16:68,815,732, C>T. VCF-style: chr16-68815732-C-T. GRCh37 (hg19) VCF-style: chr16-68849635-C-T.
Other names: c.1538C>T (LRG_301t1); c.1355C>T, p.Pro452Leu (NM_001317184.2); c.-11C>T (NM_001317185.2); c.-282C>T (NM_001317186.2); short protein forms P513L, P452L.
Identifiers: ClinVar variation 479487 (VCV000479487.13), dbSNP rs1555516185, ClinGen allele CA396463515.

ClinVar aggregate classification (germline): Uncertain significance. Review status: criteria provided, multiple submitters, no conflicts (2 of 4 stars). 2 submissions from 2 submitters: Uncertain significance (2). Last evaluated 2025-06-25.

Conditions:
Hereditary cancer-predisposing syndrome. Also called: Tumor predisposition; Neoplastic Syndromes, Hereditary; Hereditary Cancer Syndrome; Hereditary neoplastic syndrome. Identifiers: Orphanet 140162, MedGen C0027672, MeSH D009386, MONDO:0015356.
Hereditary diffuse gastric adenocarcinoma (HDGC). Also called: DIFFUSE GASTRIC AND LOBULAR BREAST CANCER SYNDROME. Identifiers: Orphanet 26106, MedGen C1708349, MONDO:0007648, OMIM 137215.

Submissions (2):

Ambry Genetics
Classification: Uncertain significance for Hereditary cancer-predisposing syndrome. Last evaluated: 2025-06-25. Review status: criteria provided, single submitter. Criteria: Ambry Variant Classification Scheme 2023. Collection method: clinical testing. Allele origin: germline.
Comment: The p.P513L variant (also known as c.1538C>T), located in coding exon 10 of the CDH1 gene, results from a C to T substitution at nucleotide position 1538. The proline at codon 513 is replaced by leucine, an amino acid with similar properties. This amino acid position is highly conserved in available vertebrate species. In addition, the in silico prediction for this alteration is inconclusive. Since supporting evidence is limited at this time, the clinical significance of this alteration remains unclear.

Labcorp Genetics (formerly Invitae), Labcorp
Classification: Uncertain significance for Hereditary diffuse gastric adenocarcinoma. Last evaluated: 2023-11-27. Review status: criteria provided, single submitter. Criteria: Invitae Variant Classification Sherloc (09022015). Collection method: clinical testing. Allele origin: germline.
Comment: This sequence change replaces proline, which is neutral and non-polar, with leucine, which is neutral and non-polar, at codon 513 of the CDH1 protein (p.Pro513Leu). This variant is not present in population databases (gnomAD no frequency). This variant has not been reported in the literature in individuals affected with CDH1-related conditions. ClinVar contains an entry for this variant (Variation ID: 479487). An algorithm developed to predict the effect of missense changes on protein structure and function (PolyPhen-2) suggests that this variant is likely to be disruptive. In summary, the available evidence is currently insufficient to determine the role of this variant in disease. Therefore, it has been classified as a Variant of Uncertain Significance.